The following is an entry in ClinVar:

NM_000487.6(ARSA):c.1489_1492dup (p.Arg498fs)

Gene: ARSA (arylsulfatase A; minus strand). Cytogenetic location: 22q13.33.
Variant type: Duplication.
Coding change: c.1489_1492dup on transcript NM_000487.6 (MANE Select); coding-DNA positions 1489 to 1492, 4 bases duplicated (CCCC; older notation c.1489_1492dupCCCC).
Protein change: p.Arg498fs; shifts the reading frame from arginine 498.
Molecular consequence: frameshift variant.
Genome position (GRCh38, 1-based): chr22:50,625,183-50,625,186, GGGG duplicated on the plus strand (CCCC on the coding strand, the reverse complement: ARSA is on the minus strand); duplicating any 4 consecutive bases within chr22:50,625,183-50,625,188 gives the same sequence; the c. name uses the placement nearest the transcript's 3' end. VCF-style (leftmost placement, unchanged base first): chr22-50625182-C-CGGGG. GRCh37 (hg19) VCF-style: chr22-51063610-C-CGGGG.
Other names: p.Arg498Profs*76; c.1489_1492dup, p.Arg498fs (NM_001085425.3, NM_001085426.3, NM_001085427.3); c.1231_1234dup, p.Arg412fs (NM_001085428.3, NM_001362782.2); c.1489_1492dupCCCC (NM_000487.5); short protein forms R498fs, R412fs.
Identifiers: ClinVar variation 188843 (VCV000188843.14), dbSNP rs774153480, ClinGen allele CA278472.

ClinVar aggregate classification (germline): Pathogenic/Likely pathogenic. Review status: criteria provided, multiple submitters, no conflicts (2 of 4 stars). 6 submissions from 6 submitters: Pathogenic (2); Likely pathogenic (4). Last evaluated 2025-10-06.

Conditions:
ARSA-related disorder. Also called: ARSA-related condition.
Metachromatic leukodystrophy (MLD). Also called: ARSA DEFICIENCY; METACHROMATIC LEUKOENCEPHALOPATHY; Cerebral sclerosis diffuse metachromatic form; Arylsulfatase A Deficiency; SULFATIDE LIPIDOSIS; CEREBROSIDE SULFATASE DEFICIENCY. Identifiers: Orphanet 512, MedGen C0023522, MONDO:0018868, OMIM 250100.

Submissions (6):

Mayo Clinic Laboratories, Mayo Clinic
Classification: Likely pathogenic. Last evaluated: 2025-10-06. Review status: criteria provided, single submitter. Criteria: ACMG Guidelines, 2015. Collection method: clinical testing. Allele origin: germline. Observed: 1 variant allele.
Comment: PP4, PM2_supporting, PM3, PM5, PVS1_moderate

Labcorp Genetics (formerly Invitae), Labcorp
Classification: Pathogenic for Metachromatic leukodystrophy. Last evaluated: 2025-08-15. Review status: criteria provided, single submitter. Criteria: Invitae Variant Classification Sherloc (09022015). Collection method: clinical testing. Allele origin: germline.
Comment: This sequence change is expected to alter the c-terminus of the ARSA protein (p.Arg498Profs*76). While this is not anticipated to result in nonsense mediated decay, it is expected to disrupt the last 12 amino acid(s) of the ARSA protein and extend the protein by 63 additional amino acid residues. This variant is present in population databases (rs774153480, gnomAD 0.005%). This frameshift has been observed in individual(s) with metachromatic leukodystrophy (PMID: 12809638). This variant is also known as 2590_2591insCCCC. ClinVar contains an entry for this variant (Variation ID: 188843). This variant results in an extension of the ARSA protein. Other variant(s) that result in a similarly extended protein product (p.Arg498Profs*75) have been determined to be pathogenic (PMID: 19021637, 26462614). This suggests that these extensions are likely to be disease-causing. For these reasons, this variant has been classified as Pathogenic.

Fulgent Genetics
Classification: Likely pathogenic for Metachromatic leukodystrophy. Last evaluated: 2024-05-12. Review status: criteria provided, single submitter. Criteria: ACMG Guidelines, 2015. Collection method: clinical testing. Allele origin: germline.

Blueprint Genetics
Classification: Likely pathogenic for ARSA-related disorders. Last evaluated: 2023-07-19. Review status: criteria provided, single submitter. Criteria: ACMG Guidelines, 2015. Collection method: clinical testing. Allele origin: germline. Affected: yes. Observed: 4 variant alleles.

GeneDx
Classification: Pathogenic. Last evaluated: 2022-03-30. Review status: criteria provided, single submitter. Criteria: GeneDx Variant Classification Process June 2021. Collection method: clinical testing. Allele origin: germline. Affected: yes.
Comment: Frameshift variant predicted to result in protein truncation, as the last 12 amino acids are replaced with 75 different amino acids; Not observed at significant frequency in large population cohorts (gnomAD); This variant is associated with the following publications: (PMID: 12809638)

Myriad Genetics, Inc.
Classification: Likely pathogenic for Metachromatic leukodystrophy. Last evaluated: 2021-11-10. Review status: criteria provided, single submitter. Criteria: Myriad Women's Health Autosomal Recessive and X-Linked Classification Criteria (2021). Collection method: clinical testing. Allele origin: unknown.
Comment: NM_000487.5(ARSA):c.1489_1492dupCCCC(R498Pfs*76) is a read through frameshift variant classified as likely pathogenic in the context of metachromatic leukodystrophy. R498Pfs*76 has been observed in cases with relevant disease (PMID: 14517960). Functional assessments of this variant are not available in the literature. R498Pfs*76 has been observed in population frequency databases (gnomAD: NFE 0.016%). In summary, NM_000487.5(ARSA):c.1489_1492dupCCCC(R498Pfs*76) is a read through frameshift variant in a gene where loss of function is a known mechanism of disease and is predicted to disrupt protein function. Please note: this variant was assessed in the context of healthy population screening.

Literature cited by the submitters: PubMed 12809638 (cited by Mayo Clinic Laboratories, Mayo Clinic and Labcorp Genetics (formerly Invitae), Labcorp); PubMed 14517960 (cited by Mayo Clinic Laboratories, Mayo Clinic and Myriad Genetics, Inc.); PubMed 19021637 (cited by Labcorp Genetics (formerly Invitae), Labcorp); PubMed 26462614 (cited by Labcorp Genetics (formerly Invitae), Labcorp).